The following is an entry in ClinVar:

NM_021830.5(TWNK):c.1014G>C (p.Gln338His)

Gene: TWNK (twinkle mtDNA helicase; plus strand). Cytogenetic location: 10q24.31.
Variant type: single nucleotide variant.
Coding change: c.1014G>C on transcript NM_021830.5 (MANE Select); coding-DNA position 1014, G replaced by C.
Protein change: p.Gln338His; replaces glutamine 338 with histidine.
Molecular consequence: missense variant. On other transcripts: non-coding transcript variant (4), intron variant (3).
Genome position (GRCh38, 1-based): chr10:100,989,224, G>C. VCF-style: chr10-100989224-G-C. GRCh37 (hg19) VCF-style: chr10-102748981-G-C.
Other names: c.1014G>C, p.Gln338His (NM_001163812.2); c.-119-420G>C (NM_001163814.2, NM_001163813.2); c.-57-482G>C (NM_001368275.1); short protein forms Q338H.
Identifiers: ClinVar variation 450033 (VCV000450033.5), dbSNP rs1183712053, ClinGen allele CA378209670.

ClinVar aggregate classification (germline): Uncertain significance. Review status: criteria provided, multiple submitters, no conflicts (2 of 4 stars). 2 submissions from 2 submitters: Uncertain significance (2). Last evaluated 2023-06-27.

gnomAD v4.1: 3 of 1,614,192 alleles (0.00019%); no homozygotes.

Submissions (2):

Labcorp Genetics (formerly Invitae), Labcorp
Classification: Uncertain significance. Last evaluated: 2023-06-27. Review status: criteria provided, single submitter. Criteria: Invitae Variant Classification Sherloc (09022015). Collection method: clinical testing. Allele origin: germline.
Comment: ClinVar contains an entry for this variant (Variation ID: 450033). In summary, the available evidence is currently insufficient to determine the role of this variant in disease. Therefore, it has been classified as a Variant of Uncertain Significance. Advanced modeling of protein sequence and biophysical properties (such as structural, functional, and spatial information, amino acid conservation, physicochemical variation, residue mobility, and thermodynamic stability) performed at Invitae indicates that this missense variant is not expected to disrupt TWNK protein function. This variant has not been reported in the literature in individuals affected with TWNK-related conditions. This variant is not present in population databases (gnomAD no frequency). This sequence change replaces glutamine, which is neutral and polar, with histidine, which is basic and polar, at codon 338 of the TWNK protein (p.Gln338His).

GeneDx
Classification: Uncertain significance. Last evaluated: 2017-06-27. Review status: criteria provided, single submitter. Criteria: GeneDx Variant Classification (06012015). Collection method: clinical testing. Allele origin: germline. Affected: yes.
Comment: The Q338H variant has not been published as a pathogenic variant, nor has it been reported as a benign variant to our knowledge. The Q338H variant is not observed in large population cohorts (Lek et al., 2016; 1000 Genomes Consortium et al., 2015; Exome Variant Server). The Q338H variant is a semi-conservative amino acid substitution, which may impact secondary protein structure as these residues differ in some properties. This substitution occurs at a position that is not conserved. In silico analysis is inconsistent in its predictions as to whether or not the variant is damaging to the protein structure/function. n summary, based on the currently available information, it is unclear whether this variant is a pathogenic variant or a rare benign variant.